The following is an entry in ClinVar:

ClinVar aggregate classification (germline): Uncertain significance. Review status: criteria provided, multiple submitters, no conflicts (2 of 4 stars). 3 submissions from 3 submitters: Uncertain significance (3). Last evaluated 2025-04-21.

Conditions:
Inborn genetic diseases. Identifiers: MedGen C0950123, MeSH D030342.

Allele frequency attached by ClinVar (database versions not stated): ExAC 0.00008; TOPMed 0.00060; 1000 Genomes Project 30x 0.00016; gnomAD 0.00044 and 0.00047; gnomAD exomes 0.00003 and 0.00006; 1000 Genomes Project 0.00020; ESP Exome Variant Server 0.00023.
gnomAD v4.1: 125 of 1,614,190 alleles (0.0077%); highest among the groups gnomAD compares: African/African-American, 0.13%; no homozygotes.

Submissions (3):

Ambry Genetics
Classification: Uncertain significance for Inborn genetic diseases. Last evaluated: 2025-04-21. Review status: criteria provided, single submitter. Criteria: Ambry Variant Classification Scheme 2023. Collection method: clinical testing. Allele origin: germline.

Labcorp Genetics (formerly Invitae), Labcorp
Classification: Uncertain significance. Last evaluated: 2022-04-26. Review status: criteria provided, single submitter. Criteria: Invitae Variant Classification Sherloc (09022015). Collection method: clinical testing. Allele origin: germline.
Comment: This sequence change replaces leucine, which is neutral and non-polar, with valine, which is neutral and non-polar, at codon 868 of the CDK5RAP2 protein (p.Leu868Val). This variant is present in population databases (rs142340223, gnomAD 0.1%). This variant has not been reported in the literature in individuals affected with CDK5RAP2-related conditions. ClinVar contains an entry for this variant (Variation ID: 434646). Algorithms developed to predict the effect of missense changes on protein structure and function output the following: SIFT: "Tolerated"; PolyPhen-2: "Possibly Damaging"; Align-GVGD: "Class C0". The valine amino acid residue is found in multiple mammalian species, which suggests that this missense change does not adversely affect protein function. In summary, the available evidence is currently insufficient to determine the role of this variant in disease. Therefore, it has been classified as a Variant of Uncertain Significance.

Genetic Services Laboratory, University of Chicago
Classification: Uncertain significance. Last evaluated: 2016-04-27. Review status: criteria provided, single submitter. Criteria: ACMG Guidelines, 2015. Collection method: clinical testing. Allele origin: germline. Affected: no.

NM_018249.6(CDK5RAP2):c.2602C>G (p.Leu868Val)

Gene: CDK5RAP2 (CDK5 regulatory subunit associated protein 2; minus strand). Cytogenetic location: 9q33.2.
Variant type: single nucleotide variant.
Coding change: c.2602C>G on transcript NM_018249.6 (MANE Select); coding-DNA position 2602, C replaced by G.
Protein change: p.Leu868Val; replaces leucine 868 with valine.
Molecular consequence: missense variant. On other transcripts: non-coding transcript variant (5), intron variant (1).
Genome position (GRCh38, 1-based): chr9:120,453,647, G>C on the plus strand (C>G on the coding strand, the complement: CDK5RAP2 is on the minus strand). VCF-style: chr9-120453647-G-C. GRCh37 (hg19) VCF-style: chr9-123215925-G-C.
Other names: c.2602C>G, p.Leu868Val (NM_001011649.3); c.2104-5521C>G (NM_001272039.2); short protein forms L868V.
Identifiers: ClinVar variation 434646 (VCV000434646.10), dbSNP rs142340223, ClinGen allele CA5214034.